The following is an entry in ClinVar:

NM_182760.4(SUMF1):c.726-10C>T

Gene: SUMF1 (sulfatase modifying factor 1; minus strand). Cytogenetic location: 3p26.1.
Variant type: single nucleotide variant.
Coding change: c.726-10C>T on transcript NM_182760.4 (MANE Select); 10 bases into the intron before coding-DNA position 726, C replaced by T.
Molecular consequence: intron variant.
Genome position (GRCh38, 1-based): chr3:4,417,252, G>A on the plus strand (C>T on the coding strand, the complement: SUMF1 is on the minus strand). VCF-style: chr3-4417252-G-A. GRCh37 (hg19) VCF-style: chr3-4458936-G-A.
Other names: c.726-10C>T (NM_182760.3, NM_001164675.2); c.651-10C>T (NM_001164674.2).
Identifiers: ClinVar variation 1123767 (VCV001123767.9), dbSNP rs1320187586, ClinGen allele CA540800348.

ClinVar aggregate classification (germline): Likely benign. Review status: criteria provided, single submitter (1 of 4 stars). 2 submissions from 2 submitters: Likely benign (1). 1 of the submissions does not count toward it. Last evaluated 2026-01-26.

Conditions:
Multiple sulfatase deficiency (MSD). Also called: Mucosulfatidosis; Multiple Sulfatase Deficiency Disease; Sulfatidosis, Juvenile, Austin Type. Identifiers: Orphanet 585, MedGen C0268263, MONDO:0010088, OMIM 272200.
SUMF1-related disorder. Also called: SUMF1-related condition.

Allele frequency attached by ClinVar (database versions not stated): TOPMed 0.00001; gnomAD exomes 0.00002.
gnomAD v4.1: 6 of 1,612,710 alleles (0.00037%); highest among the groups gnomAD compares: Admixed American, 0.01%; 1 homozygote.

Submissions (2):

Labcorp Genetics (formerly Invitae), Labcorp
Classification: Likely benign for Multiple sulfatase deficiency. Last evaluated: 2026-01-26. Review status: criteria provided, single submitter. Criteria: Invitae Variant Classification Sherloc (09022015). Collection method: clinical testing. Allele origin: germline.

PreventionGenetics, part of Exact Sciences
Classification: Likely benign for SUMF1-related condition. Last evaluated: 2019-08-21. Review status: no assertion criteria provided. Collection method: clinical testing. Allele origin: germline. Not counted in ClinVar's aggregate classification.
Comment: This variant is classified as likely benign based on ACMG/AMP sequence variant interpretation guidelines (Richards et al. 2015 PMID: 25741868, with internal and published modifications).